The following is an entry in ClinVar:

NM_006440.5(TXNRD2):c.953G>A (p.Arg318Gln)

Gene: TXNRD2 (thioredoxin reductase 2; minus strand). Cytogenetic location: 22q11.21.
Variant type: single nucleotide variant.
Coding change: c.953G>A on transcript NM_006440.5 (MANE Select); coding-DNA position 953, G replaced by A.
Protein change: p.Arg318Gln; replaces arginine 318 with glutamine.
Molecular consequence: missense variant. On other transcripts: non-coding transcript variant (1).
Genome position (GRCh38, 1-based): chr22:19,883,458, C>T on the plus strand (G>A on the coding strand, the complement: TXNRD2 is on the minus strand). VCF-style: chr22-19883458-C-T. GRCh37 (hg19) VCF-style: chr22-19870981-C-T.
Other names: c.950G>A, p.Arg317Gln (NM_001352300.2); c.863G>A, p.Arg288Gln (NM_001352301.2); c.665G>A, p.Arg222Gln (NM_001352302.2); short protein forms R318Q, R222Q, R288Q, R317Q.
Identifiers: ClinVar variation 3812630 (VCV003812630.2).
Genomic context (GRCh38, chr22:19,883,458, plus strand): 5'-GTGTCGGGGCTAGTATCTACCCCAGCCTTCTCCAAATTCAGACTTCTGGTGTCTGGGACT[C>T]GACCTGAAGGAAACAGAGAGGGGGCTGAAAGGTTATCTTCAGTGGCTTTGACCTAGAGCG-3'
Protein context (NP_006431.2, residues 308-328): TFDTVLWAIG[Arg318Gln]VPDTRSLNLE

ClinVar aggregate classification (germline): Uncertain significance (1 of 4 stars; one submission).

Conditions:
Cardiovascular phenotype. Identifiers: MedGen CN230736.

gnomAD v4.1: 13 of 1,613,912 alleles (0.00081%); highest among the groups gnomAD compares: East Asian, 0.0045%; no homozygotes.

Submission:

Ambry Genetics
Classification: Uncertain significance for Cardiovascular phenotype. Last evaluated: 2026-01-02. Review status: criteria provided, single submitter. Criteria: Ambry Variant Classification Scheme 2023. Collection method: clinical testing. Allele origin: germline.
Comment: The p.R318Q variant (also known as c.953G>A), located in coding exon 12 of the TXNRD2 gene, results from a G to A substitution at nucleotide position 953. The arginine at codon 318 is replaced by glutamine, an amino acid with highly similar properties. This amino acid position is conserved. In addition, this alteration is predicted to be deleterious by in silico analysis. Based on the available evidence, the clinical significance of this variant remains unclear.